The following is an entry in ClinVar:

NM_020631.6(PLEKHG5):c.2751G>C (p.Gln917His)

Gene: PLEKHG5 (pleckstrin homology and RhoGEF domain containing G5; minus strand). Cytogenetic location: 1p36.31.
Variant type: single nucleotide variant.
Coding change: c.2751G>C on transcript NM_020631.6 (MANE Select); coding-DNA position 2751, G replaced by C.
Protein change: p.Gln917His; replaces glutamine 917 with histidine.
Molecular consequence: missense variant. On other transcripts: intron variant (1).
Genome position (GRCh38, 1-based): chr1:6,468,085, C>G on the plus strand (G>C on the coding strand, the complement: PLEKHG5 is on the minus strand). VCF-style: chr1-6468085-C-G. GRCh37 (hg19) VCF-style: chr1-6528145-C-G.
Other names: c.2862G>C, p.Gln954His (NM_001042663.3, NM_001265592.2); c.2751G>C, p.Gln917His (NM_001042664.2, NM_001042665.2, NM_198681.4); c.2958G>C, p.Gln986His (NM_001265593.2); c.2737+14G>C (NM_001265594.3); short protein forms Q986H, Q917H, Q954H.
Identifiers: ClinVar variation 2189342 (VCV002189342.3), dbSNP rs370666430, ClinGen allele CA338115011.

ClinVar aggregate classification (germline): Uncertain significance (1 of 4 stars; one submission).

Conditions:
Charcot-Marie-Tooth disease recessive intermediate C. Also called: CHARCOT-MARIE-TOOTH NEUROPATHY, RECESSIVE INTERMEDIATE C. Identifiers: Orphanet 369867, MedGen C3809309, MONDO:0014154, OMIM 615376.
Neuronopathy, distal hereditary motor, autosomal recessive 4. Also called: NEUROPATHY, DISTAL HEREDITARY MOTOR, AUTOSOMAL RECESSIVE 4; Autosomal recessive lower motor neuron disease with childhood onset. Identifiers: Orphanet 206580, MedGen C1970211, MONDO:0012608, OMIM 611067.

gnomAD v4.1: 5 of 1,585,446 alleles (0.00032%); highest among the groups gnomAD compares: Non-Finnish European, 0.00043%; no homozygotes.

Submission:

Labcorp Genetics (formerly Invitae), Labcorp
Classification: Uncertain significance for Neuronopathy, distal hereditary motor, autosomal recessive 4; Charcot-Marie-Tooth disease recessive intermediate C. Last evaluated: 2024-01-08. Review status: criteria provided, single submitter. Criteria: Invitae Variant Classification Sherloc (09022015). Collection method: clinical testing. Allele origin: germline.
Comment: This sequence change replaces glutamine, which is neutral and polar, with histidine, which is basic and polar, at codon 917 of the PLEKHG5 protein (p.Gln917His). This variant is not present in population databases (gnomAD no frequency). This variant has not been reported in the literature in individuals affected with PLEKHG5-related conditions. ClinVar contains an entry for this variant (Variation ID: 2189342). An algorithm developed to predict the effect of missense changes on protein structure and function (PolyPhen-2) suggests that this variant¬¨‚Ä†is likely to be tolerated. In summary, the available evidence is currently insufficient to determine the role of this variant in disease. Therefore, it has been classified as a Variant of Uncertain Significance.